The following is an entry in ClinVar:

NM_014639.4(SKIC3):c.632G>A (p.Ser211Asn)

Gene: SKIC3 (SKI3 subunit of superkiller complex; minus strand). Cytogenetic location: 5q15.
Variant type: single nucleotide variant.
Coding change: c.632G>A on transcript NM_014639.4 (MANE Select); coding-DNA position 632, G replaced by A.
Protein change: p.Ser211Asn; replaces serine 211 with asparagine.
Molecular consequence: missense variant.
Genome position (GRCh38, 1-based): chr5:95,537,053, C>T on the plus strand (G>A on the coding strand, the complement: SKIC3 is on the minus strand). VCF-style: chr5-95537053-C-T. GRCh37 (hg19) VCF-style: chr5-94872757-C-T.
Other names: short protein forms S211N.
Identifiers: ClinVar variation 1516168 (VCV001516168.5), dbSNP rs2112363148, ClinGen allele CA360441619.
Genomic context (GRCh38, chr5:95,537,053, plus strand): 5'-TAATTAGAAATACATACAAGTCACATTAGAGATTTAAAAAATCAACTTACTTTGGATAAA[C>T]TCTGAATGAAATGCCTATAAAGTACTTGGTGATCTTCACTAGGAATCTTATCTGATAATC-3'
Protein context (NP_055454.1, residues 201-221): HQVLYRHFIQ[Ser211Asn]LSKFPHESAR

ClinVar aggregate classification (germline): Uncertain significance (1 of 4 stars; one submission).

Submission:

Labcorp Genetics (formerly Invitae), Labcorp
Classification: Uncertain significance. Last evaluated: 2022-07-05. Review status: criteria provided, single submitter. Criteria: Invitae Variant Classification Sherloc (09022015). Collection method: clinical testing. Allele origin: germline.
Comment: This sequence change replaces serine, which is neutral and polar, with asparagine, which is neutral and polar, at codon 211 of the TTC37 protein (p.Ser211Asn). This variant is not present in population databases (gnomAD no frequency). This variant has not been reported in the literature in individuals affected with TTC37-related conditions. ClinVar contains an entry for this variant (Variation ID: 1516168). Algorithms developed to predict the effect of missense changes on protein structure and function (SIFT, PolyPhen-2, Align-GVGD) all suggest that this variant is likely to be tolerated. In summary, the available evidence is currently insufficient to determine the role of this variant in disease. Therefore, it has been classified as a Variant of Uncertain Significance.